The following is an entry in ClinVar:

ClinVar aggregate classification (germline): Uncertain significance (1 of 4 stars; one submission).

Conditions:
T-cell immunodeficiency, congenital alopecia, and nail dystrophy. Also called: Congenital alopecia and nail dystrophy associated with severe functional T-cell immunodeficiency; Pignata Guarino syndrome. Identifiers: Orphanet 169095, MedGen C1866426, MONDO:0011132, OMIM 601705.

Submission:

Labcorp Genetics (formerly Invitae), Labcorp
Classification: Uncertain significance for T-cell immunodeficiency, congenital alopecia, and nail dystrophy. Last evaluated: 2020-12-02. Review status: criteria provided, single submitter. Criteria: Invitae Variant Classification Sherloc (09022015). Collection method: clinical testing. Allele origin: germline.
Comment: This variant results in the deletion of exon(s) 6-8 (c.928-4_*36delinsAACTA) of the FOXN1 gene. While this deletion is not anticipated to lead to nonsense mediated decay, it is expected to alter mRNA translation or result in a truncated protein product. This variant has not been reported in the literature in individuals with FOXN1-related conditions. Experimental studies and prediction algorithms are not available or were not evaluated, and the functional significance of this variant is currently unknown. In summary, the available evidence is currently insufficient to determine the role of this variant in disease. Therefore, it has been classified as a Variant of Uncertain Significance.

NC_000017.10:g.(?_26861345)_(26864490_?)del

Gene: FOXN1 (forkhead box N1; plus strand). Cytogenetic location: 17q11.2.
Variant type: Deletion.
Identifiers: ClinVar variation 1458194 (VCV001458194.5).